The following is an entry in ClinVar:

ClinVar aggregate classification (germline): Likely benign. Review status: criteria provided, multiple submitters, no conflicts (2 of 4 stars). 3 submissions from 3 submitters: Likely benign (2). 1 of the submissions does not count toward it. Last evaluated 2024-11-26.

Conditions:
TBX2-related disorder. Also called: TBX2-related condition.

Allele frequency attached by ClinVar (database versions not stated): 1000 Genomes Project 30x 0.00094; 1000 Genomes Project 0.00100; ESP Exome Variant Server 0.00164; gnomAD 0.00186 and 0.00189; TOPMed 0.00217.
gnomAD v4.1: 5,086 of 1,612,428 alleles (0.32%); highest among the groups gnomAD compares: Non-Finnish European, 0.4%; 14 homozygotes.

Submissions (3):

Blueprint Genetics
Classification: Likely benign. Last evaluated: 2024-11-26. Review status: criteria provided, single submitter. Criteria: ACMG Guidelines, 2015. Collection method: clinical testing. Allele origin: germline.

Labcorp Genetics (formerly Invitae), Labcorp
Classification: Likely benign. Last evaluated: 2019-12-31. Review status: criteria provided, single submitter. Criteria: Invitae Variant Classification Sherloc (09022015). Collection method: clinical testing. Allele origin: germline.

PreventionGenetics, part of Exact Sciences
Classification: Likely benign for TBX2-related condition. Last evaluated: 2019-05-28. Review status: no assertion criteria provided. Collection method: clinical testing. Allele origin: germline. Not counted in ClinVar's aggregate classification.
Comment: This variant is classified as likely benign based on ACMG/AMP sequence variant interpretation guidelines (Richards et al. 2015 PMID: 25741868, with internal and published modifications).

NM_005994.4(TBX2):c.1800C>A (p.Ala600=)

Gene: TBX2 (T-box transcription factor 2; plus strand). Cytogenetic location: 17q23.2.
Variant type: single nucleotide variant.
Coding change: c.1800C>A on transcript NM_005994.4 (MANE Select); coding-DNA position 1800, C replaced by A.
Protein change: p.Ala600=; no amino-acid change (alanine 600 retained).
Molecular consequence: synonymous variant.
Genome position (GRCh38, 1-based): chr17:61,408,167, C>A. VCF-style: chr17-61408167-C-A. GRCh37 (hg19) VCF-style: chr17-59485528-C-A.
Identifiers: ClinVar variation 714114 (VCV000714114.7), dbSNP rs140411884, ClinGen allele CA8689450.